The following is an entry in ClinVar:

ClinVar aggregate classification (germline): Likely benign (1 of 4 stars; one submission).

gnomAD v4.1: 25 of 1,610,522 alleles (0.0016%); highest among the groups gnomAD compares: Non-Finnish European, 0.0021%; no homozygotes.

Submission:

CeGaT Center for Human Genetics Tuebingen
Classification: Likely benign. Last evaluated: 2026-09-01. Review status: criteria provided, single submitter. Criteria: CeGaT Center For Human Genetics Tuebingen Variant Classification Criteria Version 2. Collection method: clinical testing. Allele origin: germline. Affected: yes. Observed: 1 variant allele.
Comment: GABRG2: BP4

NM_198904.4(GABRG2):c.1152+7T>A

Gene: GABRG2 (gamma-aminobutyric acid type A receptor subunit gamma2; plus strand). Cytogenetic location: 5q34.
Variant type: single nucleotide variant.
Coding change: c.1152+7T>A on transcript NM_198904.4 (MANE Select); 7 bases into the intron after coding-DNA position 1152, T replaced by A.
Molecular consequence: intron variant.
Genome position (GRCh38, 1-based): chr5:162,151,760, T>A. VCF-style: chr5-162151760-T-A. GRCh37 (hg19) VCF-style: chr5-161578766-T-A.
Other names: c.844-1333T>A (NM_001375349.1); c.1249-1333T>A (NM_001375343.1); c.1191+7T>A (NM_001375344.1); c.946+7T>A (NM_001375340.1); c.1149+7T>A (NM_001375341.1); c.1126-1333T>A (NM_001375342.1); c.732+7T>A (NM_001375350.1); c.709-1333T>A (NM_001375348.1); and 6 more.
Identifiers: ClinVar variation 5040916 (VCV005040916.1).